The following is an entry in ClinVar:

NM_021922.3(FANCE):c.1017C>T (p.Leu339=)

Gene: FANCE (FA complementation group E; plus strand). Cytogenetic location: 6p21.31.
Variant type: single nucleotide variant.
Coding change: c.1017C>T on transcript NM_021922.3 (MANE Select); coding-DNA position 1017, C replaced by T.
Protein change: p.Leu339=; no amino-acid change (leucine 339 retained).
Molecular consequence: synonymous variant.
Genome position (GRCh38, 1-based): chr6:35,458,344, C>T. VCF-style: chr6-35458344-C-T. GRCh37 (hg19) VCF-style: chr6-35426121-C-T.
Other names: c.1017C>T, p.Leu339= (NM_001410876.1).
Identifiers: ClinVar variation 1691917 (VCV001691917.21), dbSNP rs1277513595, ClinGen allele CA449942805.

ClinVar aggregate classification (germline): Likely benign. Review status: criteria provided, multiple submitters, no conflicts (2 of 4 stars). 3 submissions from 3 submitters: Likely benign (3). Last evaluated 2025-06-04.

Conditions:
Fanconi anemia (FA). Also called: Fanconi's anemia. Identifiers: Orphanet 84, MedGen C0015625, MeSH D005199, MONDO:0019391.
Fanconi anemia complementation group E (FANCE). Also called: FANCE-Related Fanconi Anemia. Identifiers: Orphanet 84, MedGen C3160739, MONDO:0010953, OMIM 600901.

Allele frequency attached by ClinVar (database versions not stated): gnomAD exomes below 0.00001 and 0.00001; TOPMed 0.00001.

Submissions (3):

Labcorp Genetics (formerly Invitae), Labcorp
Classification: Likely benign for Fanconi anemia complementation group E. Last evaluated: 2025-06-04. Review status: criteria provided, single submitter. Criteria: Invitae Variant Classification Sherloc (09022015). Collection method: clinical testing. Allele origin: germline.

CeGaT Center for Human Genetics Tuebingen
Classification: Likely benign. Last evaluated: 2024-07-01. Review status: criteria provided, single submitter. Criteria: CeGaT Center For Human Genetics Tuebingen Variant Classification Criteria Version 2. Collection method: clinical testing. Allele origin: germline. Affected: yes. Observed: 1 variant allele.
Comment: FANCE: BP4, BP7

Sema4
Classification: Likely benign for Fanconi anemia. Last evaluated: 2021-09-23. Review status: criteria provided, single submitter. Criteria: Sema4 Curation Guidelines. Collection method: curation. Allele origin: germline.